The following is an entry in ClinVar:

ClinVar aggregate classification (germline): Pathogenic. Review status: criteria provided, multiple submitters, no conflicts (2 of 4 stars). 3 submissions from 3 submitters: Pathogenic (3). Last evaluated 2025-07-03.

Conditions:
Wilson disease (WND). Also called: Wilson's disease. Identifiers: Orphanet 905, MedGen C0019202, MONDO:0010200, OMIM 277900. Disease mechanism: loss of function.

Submissions (3):

Color Diagnostics, LLC DBA Color Health
Classification: Pathogenic for Wilson disease. Last evaluated: 2025-07-03. Review status: criteria provided, single submitter. Criteria: ACMG Guidelines, 2015. Collection method: clinical testing. Allele origin: germline.
Comment: This variant inserts 1 nucleotide in exon 2 of the ATP7B gene, creating a frameshift and premature translation stop signal. This variant is expected to result in an absent or non-functional protein product. To our knowledge, this variant has not been reported in individuals affected with ATP7B-related disorders in the literature. This variant has not been identified in the general population by the Genome Aggregation Database (gnomAD). Loss of ATP7B function is a known mechanism of disease. Based on the available evidence, this variant is classified as Pathogenic.

Myriad Genetics, Inc.
Classification: Pathogenic for Wilson disease. Last evaluated: 2025-06-18. Review status: criteria provided, single submitter. Criteria: Myriad Autosomal Dominant, Autosomal Recessive and X-Linked Classification Criteria (2023). Collection method: clinical testing. Allele origin: unknown.
Comment: NM_000053.3(ATP7B):c.969dupT(K324*) is a nonsense variant classified as pathogenic in the context of Wilson disease. K324* has not been observed in cases with relevant disease. Relevant functional assessments of this variant are not available in the literature. K324* has not been observed in referenced population frequency databases. In summary, NM_000053.3(ATP7B):c.969dupT(K324*) is a nonsense variant in a gene where loss of function is a known mechanism of disease and is predicted to disrupt protein function. Please note: this variant was assessed in the context of healthy population screening.

Labcorp Genetics (formerly Invitae), Labcorp
Classification: Pathogenic for Wilson disease. Last evaluated: 2022-09-27. Review status: criteria provided, single submitter. Criteria: Invitae Variant Classification Sherloc (09022015). Collection method: clinical testing. Allele origin: germline.
Comment: This variant is not present in population databases (gnomAD no frequency). This variant has not been reported in the literature in individuals affected with ATP7B-related conditions. For these reasons, this variant has been classified as Pathogenic. This sequence change creates a premature translational stop signal (p.Lys324*) in the ATP7B gene. It is expected to result in an absent or disrupted protein product. Loss-of-function variants in ATP7B are known to be pathogenic (PMID: 10441329, 16283883).

Literature cited by the submitters: PubMed 10441329 (cited by Labcorp Genetics (formerly Invitae), Labcorp); PubMed 16283883 (cited by Labcorp Genetics (formerly Invitae), Labcorp).

NM_000053.4(ATP7B):c.969dup (p.Lys324Ter)

Gene: ATP7B (ATPase copper transporting beta; minus strand). Cytogenetic location: 13q14.3.
Variant type: Duplication.
Coding change: c.969dup on transcript NM_000053.4 (MANE Select); coding-DNA position 969, one base duplicated (T; older notation c.969dupT).
Protein change: p.Lys324Ter; replaces lysine 324 with a stop codon.
Molecular consequence: nonsense. On other transcripts: frameshift variant (35), intron variant (1).
Genome position (GRCh38, 1-based): chr13:51,974,251, A duplicated on the plus strand (T on the coding strand, the reverse complement: ATP7B is on the minus strand); the first of 4 consecutive A bases (chr13:51,974,251-51,974,254); duplicating any one gives the same sequence. VCF-style (leftmost placement, unchanged base first): chr13-51974250-T-TA. GRCh37 (hg19) VCF-style: chr13-52548386-T-TA.
Other names: c.969dup, p.Lys324Ter (NM_001005918.3, NM_001330578.2, NM_001330579.2); c.966dup, p.Lys324Terfs (NM_001406511.1, NM_001406512.1, NM_001406513.1 and 26 more transcripts); c.870dup, p.Lys292Terfs (NM_001406517.1, NM_001406518.1, NM_001406530.1 and 3 more transcripts); c.802+167dup (NM_001243182.2); short protein forms K324*.
Identifiers: ClinVar variation 2031424 (VCV002031424.6), dbSNP rs2547816464, ClinGen allele CA2580087677.